The following is an entry in ClinVar:

NM_006766.5(KAT6A):c.4642A>C (p.Ser1548Arg)

Gene: KAT6A (lysine acetyltransferase 6A; minus strand). Cytogenetic location: 8p11.21.
Variant type: single nucleotide variant.
Coding change: c.4642A>C on transcript NM_006766.5 (MANE Select); coding-DNA position 4642, A replaced by C.
Protein change: p.Ser1548Arg; replaces serine 1548 with arginine.
Molecular consequence: missense variant.
Genome position (GRCh38, 1-based): chr8:41,933,578, T>G on the plus strand (A>C on the coding strand, the complement: KAT6A is on the minus strand). VCF-style: chr8-41933578-T-G. GRCh37 (hg19) VCF-style: chr8-41791096-T-G.
Other names: short protein forms S1548R.
Identifiers: ClinVar variation 3769809 (VCV003769809.1).

ClinVar aggregate classification (germline): Uncertain significance (1 of 4 stars; one submission).

Submission:

GeneDx
Classification: Uncertain significance. Last evaluated: 2024-09-11. Review status: criteria provided, single submitter. Criteria: GeneDx Variant Classification Process June 2021. Collection method: clinical testing. Allele origin: germline. Affected: yes.
Comment: Not observed at significant frequency in large population cohorts (gnomAD); In silico analysis supports that this missense variant has a deleterious effect on protein structure/function; Has not been previously published as pathogenic or benign to our knowledge